The following is an entry in ClinVar:

NM_004360.5(CDH1):c.393C>T (p.Ser131=)

Gene: CDH1 (cadherin 1; plus strand). Cytogenetic location: 16q22.1.
Variant type: single nucleotide variant.
Coding change: c.393C>T on transcript NM_004360.5 (MANE Select); coding-DNA position 393, C replaced by T.
Protein change: p.Ser131=; no amino-acid change (serine 131 retained).
Molecular consequence: synonymous variant. On other transcripts: 5 prime UTR variant (2).
Genome position (GRCh38, 1-based): chr16:68,808,429, C>T. VCF-style: chr16-68808429-C-T. GRCh37 (hg19) VCF-style: chr16-68842332-C-T.
Other names: c.393C>T (LRG_301t1); c.393C>T, p.Ser131= (NM_001317184.2); c.-1223C>T (NM_001317185.2); c.-1427C>T (NM_001317186.2).
Identifiers: ClinVar variation 184085 (VCV000184085.37), dbSNP rs145430811, ClinGen allele CA187738.

ClinVar aggregate classification (germline): Benign/Likely benign. Review status: criteria provided, multiple submitters, no conflicts (2 of 4 stars). 15 submissions from 15 submitters: Benign (5); Likely benign (9). 1 of the submissions does not count toward it. Last evaluated 2026-01-14.

Conditions:
Hereditary cancer-predisposing syndrome. Also called: Tumor predisposition; Hereditary Cancer Syndrome; Hereditary neoplastic syndrome; Neoplastic Syndromes, Hereditary. Identifiers: Orphanet 140162, MedGen C0027672, MeSH D009386, MONDO:0015356.
Hereditary diffuse gastric adenocarcinoma (HDGC). Also called: DIFFUSE GASTRIC AND LOBULAR BREAST CANCER SYNDROME. Identifiers: Orphanet 26106, MedGen C1708349, MONDO:0007648, OMIM 137215.

Allele frequency attached by ClinVar (database versions not stated): TOPMed 0.00005; gnomAD 0.00006; ExAC 0.00011; gnomAD exomes 0.00011 and 0.00015; ESP Exome Variant Server 0.00031.
gnomAD v4.1: 223 of 1,613,966 alleles (0.014%); highest among the groups gnomAD compares: Non-Finnish European, 0.018%; no homozygotes.

Submissions (15):

Labcorp Genetics (formerly Invitae), Labcorp
Classification: Likely benign for Hereditary diffuse gastric adenocarcinoma. Last evaluated: 2026-01-14. Review status: criteria provided, single submitter. Criteria: Invitae Variant Classification Sherloc (09022015). Collection method: clinical testing. Allele origin: germline.

Center for Genomic Medicine, Rigshospitalet, Copenhagen University Hospital
Classification: Likely benign. Last evaluated: 2025-03-04. Review status: criteria provided, single submitter. Criteria: ACMG Guidelines, 2015. Collection method: clinical testing. Allele origin: germline.

ARUP Laboratories, Molecular Genetics and Genomics, ARUP Laboratories
Classification: Likely benign. Last evaluated: 2024-09-30. Review status: criteria provided, single submitter. Criteria: ARUP Molecular Germline Variant Investigation Process 2024. Collection method: clinical testing. Allele origin: germline.

Myriad Genetics, Inc.
Classification: Benign for Hereditary diffuse gastric adenocarcinoma. Last evaluated: 2024-09-12. Review status: criteria provided, single submitter. Criteria: Myriad Autosomal Dominant, Autosomal Recessive and X-Linked Classification Criteria (2023). Collection method: clinical testing. Allele origin: unknown.
Comment: This variant is considered benign. This variant is a silent/synonymous amino acid change and it is not expected to impact splicing.

European Reference Network on Genetic Tumour Risk Syndromes (ERN-GENTURIS), i3s - Instituto de Investigação e Inovação em Saúde, University of Porto
Classification: Likely benign for Hereditary diffuse gastric adenocarcinoma. Last evaluated: 2022-08-01. Review status: criteria provided, single submitter. Criteria: Lee et al. (Hum Mutat. 2018). Collection method: clinical testing. Allele origin: germline. Inheritance: Autosomal dominant inheritance. Affected: no. Study: ERN GENTURIS.
Comment: PS4_Supporting; BP4; BP7 (PMID: 30311375)

Sema4
Classification: Benign for Hereditary cancer-predisposing syndrome. Last evaluated: 2021-12-21. Review status: criteria provided, single submitter. Criteria: Sema4 Curation Guidelines. Collection method: curation. Allele origin: germline.

Quest Diagnostics Nichols Institute San Juan Capistrano
Classification: Benign. Last evaluated: 2021-05-03. Review status: criteria provided, single submitter. Criteria: Quest Diagnostics criteria. Collection method: clinical testing. Allele origin: unknown.

Mendelics
Classification: Likely benign for Hereditary diffuse gastric adenocarcinoma. Last evaluated: 2019-05-28. Review status: criteria provided, single submitter. Criteria: Mendelics Assertion Criteria 2017. Collection method: clinical testing. Allele origin: unknown.

Women's Health and Genetics/Laboratory Corporation of America, LabCorp
Classification: Benign. Last evaluated: 2019-03-28. Review status: criteria provided, single submitter. Criteria: LabCorp Variant Classification Summary - May 2015. Collection method: clinical testing. Allele origin: germline.
Comment: Variant summary: CDH1 c.393C>T alters a non-conserved nucleotide resulting in a synonymous change. 5/5 computational tools predict no significant impact on normal splicing. However, these predictions have yet to be confirmed by functional studies. The variant allele was found at a frequency of 0.0001 in 277130 control chromosomes. The observed variant frequency is approximately 3.7 fold of the estimated maximal expected allele frequency for a pathogenic variant in CDH1 causing Hereditary Diffuse Gastric Cancer phenotype (2.8e-05), strongly suggesting that the variant is benign. To our knowledge, no occurrence of c.393C>T in individuals affected with Hereditary Diffuse Gastric Cancer and no experimental evidence demonstrating its impact on protein function have been reported. Three clinical diagnostic laboratories have submitted clinical-significance assessments for this variant to ClinVar after 2014 without evidence for independent evaluation. All laboratories classified the variant as benign/likely benign. Based on the evidence outlined above, the variant was classified as benign.

PreventionGenetics, part of Exact Sciences
Classification: Likely benign. Last evaluated: 2017-12-28. Review status: criteria provided, single submitter. Criteria: ACMG Guidelines, 2015. Collection method: clinical testing. Allele origin: germline.

Illumina Laboratory Services, Illumina
Classification: Likely benign for Hereditary diffuse gastric adenocarcinoma. Last evaluated: 2017-04-27. Review status: criteria provided, single submitter. Criteria: ICSL Variant Classification Criteria 13 December 2019. Collection method: clinical testing. Allele origin: germline.
Comment: This variant was observed as part of a predisposition screen in an ostensibly healthy population. A literature search was performed for the gene, cDNA change, and amino acid change (where applicable). No publications were found based on this search. Allele frequency data from public databases allowed determination this variant is unlikely to cause disease. Therefore, this variant is classified as likely benign.

Color Diagnostics, LLC DBA Color Health
Classification: Likely benign for Hereditary cancer-predisposing syndrome. Last evaluated: 2016-02-17. Review status: criteria provided, single submitter. Criteria: ACMG Guidelines, 2015. Collection method: clinical testing. Allele origin: germline.

GeneDx
Classification: Benign. Last evaluated: 2015-03-03. Review status: criteria provided, single submitter. Criteria: GeneDx Variant Classification Process June 2021. Collection method: clinical testing. Allele origin: germline. Affected: yes.

Ambry Genetics
Classification: Likely benign for Hereditary cancer-predisposing syndrome. Last evaluated: 2014-06-30. Review status: criteria provided, single submitter. Criteria: Ambry Variant Classification Scheme 2023. Collection method: clinical testing. Allele origin: germline.

Department of Pathology and Laboratory Medicine, Sinai Health System
Classification: Likely benign for Hereditary diffuse gastric adenocarcinoma. Review status: no assertion criteria provided. Collection method: clinical testing. Allele origin: unknown. Affected: yes. Observed: 1 variant allele. Study: The Canadian Open Genetics Repository (COGR). Not counted in ClinVar's aggregate classification.
Comment: The CDH1 p.Ser131= variant was not identified in the literature. The variant was identified in dbSNP (ID: rs145430811) as "With Likely benign allele", and in ClinVar (classified as likely benign by Invitae, Ambry Genetics, Color and Prevention Genetics). The variant was identified in 29 of 277130 chromosomes at a frequency of 0.0001 (Genome Aggregation Database Feb 27, 2017). The variant was observed in the following populations: European in 28 of 126628 chromosomes (freq: 0.0002), and South Asian in 1 of 30782 chromosomes (freq: 0.00003); it was not observed in the African, Other, Latino, Ashkenazi Jewish, East Asian, and Finnish populations. The p.Ser131= variant is not expected to have clinical significance because it does not result in a change of amino acid and is not located in a known consensus splice site. In addition, in silico or computational prediction software programs (SpliceSiteFinder, MaxEntScan, NNSPLICE, GeneSplicer) do not predict a difference in splicing. In summary, based on the above information the clinical significance of this variant cannot be determined with certainty at this time although we would lean towards a more benign role for this variant. This variant is classified as likely benign.

Literature cited by the submitters: PubMed 36436516 (cited by European Reference Network on Genetic Tumour Risk Syndromes (ERN-GENTURIS), i3s - Instituto de Investigação e Inovação em Saúde, University of Porto).